The following is an entry in ClinVar:

NM_000046.5(ARSB):c.359dup (p.Ser120fs)

Gene: ARSB (arylsulfatase B; minus strand). Cytogenetic location: 5q14.1.
Variant type: Duplication.
Coding change: c.359dup on transcript NM_000046.5 (MANE Select); coding-DNA position 359, one base duplicated (G; older notation c.359dupG).
Protein change: p.Ser120fs; shifts the reading frame from serine 120.
Molecular consequence: frameshift variant.
Genome position (GRCh38, 1-based): chr5:78,969,146, C duplicated on the plus strand (G on the coding strand, the reverse complement: ARSB is on the minus strand). VCF-style (leftmost placement, unchanged base first): chr5-78969145-G-GC. GRCh37 (hg19) VCF-style: chr5-78264968-G-GC.
Other names: c.359dup, p.Ser120fs (NM_198709.3); c.359dupG (NM_000046.4); short protein forms S120fs.
Identifiers: ClinVar variation 2017559 (VCV002017559.6), dbSNP rs1302294029, ClinGen allele CA560767969.

ClinVar aggregate classification (germline): Pathogenic/Likely pathogenic. Review status: criteria provided, multiple submitters, no conflicts (2 of 4 stars). 3 submissions from 3 submitters: Pathogenic (1); Likely pathogenic (2). Last evaluated 2026-01-22.

Conditions:
Mucopolysaccharidosis type 6 (MPS6). Also called: ARSB DEFICIENCY; ARYLSULFATASE B DEFICIENCY; MPS 6; Maroteaux Lamy syndrome; MPS VI; N-ACETYLGALACTOSAMINE-4-SULFATASE DEFICIENCY. Identifiers: Orphanet 583, MedGen C0026709, MONDO:0009661, OMIM 253200.

Allele frequency attached by ClinVar (database versions not stated): gnomAD exomes below 0.00001.

Submissions (3):

Labcorp Genetics (formerly Invitae), Labcorp
Classification: Pathogenic for Mucopolysaccharidosis type 6. Last evaluated: 2026-01-22. Review status: criteria provided, single submitter. Criteria: Invitae Variant Classification Sherloc (09022015). Collection method: clinical testing. Allele origin: germline.
Comment: This sequence change creates a premature translational stop signal (p.Ser120Argfs*7) in the ARSB gene. It is expected to result in an absent or disrupted protein product. Loss-of-function variants in ARSB are known to be pathogenic (PMID: 17458871, 22133300). This variant is present in population databases (no rsID available, gnomAD 0.003%). This variant has not been reported in the literature in individuals affected with ARSB-related conditions. ClinVar contains an entry for this variant (Variation ID: 2017559). For these reasons, this variant has been classified as Pathogenic.

Natera, Inc.
Classification: Likely pathogenic for Mucopolysaccharidosis type VI. Last evaluated: 2024-04-24. Review status: criteria provided, single submitter. Criteria: Natera Variant Classification Schema (03/2026). Collection method: clinical testing. Allele origin: germline.
Comment: The c.359dupG variant in ARSB is a frameshift variant predicted to shift the reading frame beginning at codon 120 and leads to a stop codon 7 codons downstream. This variant is expected to result in nonsense mediated decay, truncation, or a dysfunctional protein product. This variant is rare in the general population with a frequency below the threshold expected for the associated phenotype(s). Given the available evidence, this variant is classified as Likely Pathogenic.

Revvity Omics, Revvity
Classification: Likely pathogenic for Mucopolysaccharidosis type 6. Last evaluated: 2023-09-06. Review status: criteria provided, single submitter. Criteria: ACMG Guidelines, 2015. Collection method: clinical testing. Allele origin: germline.

Literature cited by the submitters: PubMed 17458871 (cited by Labcorp Genetics (formerly Invitae), Labcorp); PubMed 22133300 (cited by Labcorp Genetics (formerly Invitae), Labcorp).